The following is an entry in ClinVar:

ClinVar aggregate classification (germline): Uncertain significance. Review status: criteria provided, multiple submitters, no conflicts (2 of 4 stars). 4 submissions from 4 submitters: Uncertain significance (4). Last evaluated 2025-10-02.

Conditions:
Inborn genetic diseases. Identifiers: MedGen C0950123, MeSH D030342.

Allele frequency attached by ClinVar (database versions not stated): TOPMed 0.00002; gnomAD 0.00003; gnomAD exomes 0.00003; ESP Exome Variant Server 0.00008; 1000 Genomes Project 0.00040; 1000 Genomes Project 30x 0.00047.
gnomAD v4.1: 57 of 1,613,912 alleles (0.0035%); highest among the groups gnomAD compares: South Asian, 0.024%; no homozygotes.

Submissions (4):

Ambry Genetics
Classification: Uncertain significance for Inborn genetic diseases. Last evaluated: 2025-10-02. Review status: criteria provided, single submitter. Criteria: Ambry Variant Classification Scheme 2023. Collection method: clinical testing. Allele origin: germline.

GeneDx
Classification: Uncertain significance. Last evaluated: 2023-03-20. Review status: criteria provided, single submitter. Criteria: GeneDx Variant Classification Process June 2021. Collection method: clinical testing. Allele origin: germline. Affected: yes.
Comment: In silico analysis supports that this missense variant does not alter protein structure/function; Has not been previously published as pathogenic or benign to our knowledge

Blueprint Genetics
Classification: Uncertain significance. Last evaluated: 2022-05-27. Review status: criteria provided, single submitter. Criteria: ACMG Guidelines, 2015. Collection method: clinical testing. Allele origin: germline.

Labcorp Genetics (formerly Invitae), Labcorp
Classification: Uncertain significance. Last evaluated: 2022-03-10. Review status: criteria provided, single submitter. Criteria: Invitae Variant Classification Sherloc (09022015). Collection method: clinical testing. Allele origin: germline.
Comment: This sequence change replaces glycine, which is neutral and non-polar, with arginine, which is basic and polar, at codon 1018 of the LTBP2 protein (p.Gly1018Arg). This variant is present in population databases (rs368951321, gnomAD 0.02%). This variant has not been reported in the literature in individuals affected with LTBP2-related conditions. Algorithms developed to predict the effect of missense changes on protein structure and function (SIFT, PolyPhen-2, Align-GVGD) all suggest that this variant is likely to be disruptive. Algorithms developed to predict the effect of sequence changes on RNA splicing suggest that this variant may create or strengthen a splice site. In summary, the available evidence is currently insufficient to determine the role of this variant in disease. Therefore, it has been classified as a Variant of Uncertain Significance.

NM_000428.3(LTBP2):c.3052G>A (p.Gly1018Arg)

Gene: LTBP2 (latent transforming growth factor beta binding protein 2; minus strand). Cytogenetic location: 14q24.3.
Variant type: single nucleotide variant.
Coding change: c.3052G>A on transcript NM_000428.3 (MANE Select); coding-DNA position 3052, G replaced by A.
Protein change: p.Gly1018Arg; replaces glycine 1018 with arginine.
Molecular consequence: missense variant.
Genome position (GRCh38, 1-based): chr14:74,510,190, C>T on the plus strand (G>A on the coding strand, the complement: LTBP2 is on the minus strand). VCF-style: chr14-74510190-C-T. GRCh37 (hg19) VCF-style: chr14-74976893-C-T.
Other names: c.3052G>A (NM_000428.2); short protein forms G1018R.
Identifiers: ClinVar variation 2164597 (VCV002164597.4), dbSNP rs368951321, ClinGen allele CA7269302.